The following is an entry in ClinVar:

NM_005996.4(TBX3):c.-872_-871insTCCC

Genes: TBX3 (T-box transcription factor 3; minus strand), TBX3-AS1 (TBX3 antisense RNA 1; plus strand). Cytogenetic location: 12q24.21.
Variant type: Insertion.
Coding change: c.-872_-871insTCCC on transcript NM_005996.4 (MANE Select); 872 bases upstream of the start codon through 871 bases upstream of the start codon, TCCC inserted.
Molecular consequence: 5 prime UTR variant.
Genome position: GRCh38 VCF-style: chr12-114684071-G-GGGGA. GRCh37 (hg19) VCF-style: chr12-115121876-G-GGGGA.
Other names: c.-872_-871insTCCC (NM_016569.4).
Identifiers: ClinVar variation 3040340 (VCV003040340.2), dbSNP rs1555208533, ClinGen allele CA481933416.
Genomic context (GRCh38, chr12:114,684,071, plus strand): 5'-CGCGCAGGGCAGGGAGGATTTAGAGGGGGAAAAAATGGAACAGAGGGAAAGAGAGGGAGG[G>GGGGA]GAGAGAGAGAGAGAGAGAGAGAGACGGAGTCGGAGAGGGAGGGAGCGAGAGAAAGCGAGA-3'

ClinVar aggregate classification (germline): Likely benign (0 of 4 stars; one submission).

Conditions:
TBX3-related disorder. Also called: TBX3-related condition.

Submission:

PreventionGenetics, part of Exact Sciences
Classification: Likely benign for TBX3-related condition. Last evaluated: 2023-01-27. Review status: no assertion criteria provided. Collection method: clinical testing. Allele origin: germline.
Comment: This variant is classified as likely benign based on ACMG/AMP sequence variant interpretation guidelines (Richards et al. 2015 PMID: 25741868, with internal and published modifications).